The following is an entry in ClinVar:

NM_001367721.1(CASK):c.916G>A (p.Gly306Ser)

Gene: CASK (calcium/calmodulin dependent serine protein kinase; minus strand). Cytogenetic location: Xp11.4.
Variant type: single nucleotide variant.
Coding change: c.916G>A on transcript NM_001367721.1 (MANE Select); coding-DNA position 916, G replaced by A.
Protein change: p.Gly306Ser; replaces glycine 306 with serine.
Molecular consequence: missense variant.
Genome position (GRCh38, 1-based): chrX:41,626,703, C>T on the plus strand (G>A on the coding strand, the complement: CASK is on the minus strand). VCF-style: chrX-41626703-C-T. GRCh37 (hg19) VCF-style: chrX-41485956-C-T.
Other names: c.916G>A, p.Gly306Ser (NM_001126054.3, NM_001126055.3, NM_001410745.1 and 1 more transcripts); short protein forms G306S.
Identifiers: ClinVar variation 1806683 (VCV001806683.1), dbSNP rs2519038223, ClinGen allele CA412994121.

ClinVar aggregate classification (germline): Uncertain significance (1 of 4 stars; one submission).

Submission:

GeneDx
Classification: Uncertain significance. Last evaluated: 2022-06-20. Review status: criteria provided, single submitter. Criteria: GeneDx Variant Classification Process June 2021. Collection method: clinical testing. Allele origin: germline. Affected: yes.
Comment: Not observed at significant frequency in large population cohorts (gnomAD); In silico analysis supports that this missense variant does not alter protein structure/function; Has not been previously published as pathogenic or benign to our knowledge